The following is an entry in ClinVar:

NM_000512.5(GALNS):c.1196A>G (p.Lys399Arg)

Gene: GALNS (galactosamine (N-acetyl)-6-sulfatase; minus strand). Cytogenetic location: 16q24.3.
Variant type: single nucleotide variant.
Coding change: c.1196A>G on transcript NM_000512.5 (MANE Select); coding-DNA position 1196, A replaced by G.
Protein change: p.Lys399Arg; replaces lysine 399 with arginine.
Molecular consequence: missense variant.
Genome position (GRCh38, 1-based): chr16:88,824,813, T>C on the plus strand (A>G on the coding strand, the complement: GALNS is on the minus strand). VCF-style: chr16-88824813-T-C. GRCh37 (hg19) VCF-style: chr16-88891221-T-C.
Other names: c.641A>G, p.Lys214Arg (NM_001323543.2); c.1214A>G, p.Lys405Arg (NM_001323544.2); short protein forms K214R, K399R, K405R.
Identifiers: ClinVar variation 1048329 (VCV001048329.10), dbSNP rs1267791852, ClinGen allele CA397097587.

ClinVar aggregate classification (germline): Conflicting classifications of pathogenicity. Review status: criteria provided, conflicting classifications (1 of 4 stars). 3 submissions from 3 submitters: Pathogenic (1); Likely pathogenic (1); Uncertain significance (1). Last evaluated 2024-02-22.

Conditions:
Mucopolysaccharidosis, MPS-IV-A (MPS4A). Also called: Mucopolysaccharidosis type IV A; Mucopolysaccharidosis Type IVA; Morquio syndrome A, mild; MORQUIO SYNDROME A; MPS IVA; mucopolysaccharidosis type 4A. Identifiers: Orphanet 309297, Orphanet 582, MedGen C0086651, MONDO:0009659, OMIM 253000.

Submissions (3):

Revvity Omics, Revvity
Classification: Likely pathogenic for Mucopolysaccharidosis, MPS-IV-A. Last evaluated: 2024-02-22. Review status: criteria provided, single submitter. Criteria: ACMG Guidelines, 2015. Collection method: clinical testing. Allele origin: germline.

Labcorp Genetics (formerly Invitae), Labcorp
Classification: Pathogenic for Mucopolysaccharidosis, MPS-IV-A. Last evaluated: 2022-04-11. Review status: criteria provided, single submitter. Criteria: Invitae Variant Classification Sherloc (09022015). Collection method: clinical testing. Allele origin: germline.
Comment: For these reasons, this variant has been classified as Pathogenic. This variant disrupts the p.Lys399 amino acid residue in GALNS. Other variant(s) that disrupt this residue have been determined to be pathogenic (Invitae). This suggests that this residue is clinically significant, and that variants that disrupt this residue are likely to be disease-causing. Advanced modeling of protein sequence and biophysical properties (such as structural, functional, and spatial information, amino acid conservation, physicochemical variation, residue mobility, and thermodynamic stability) performed at Invitae indicates that this missense variant is expected to disrupt GALNS protein function. ClinVar contains an entry for this variant (Variation ID: 1048329). This missense change has been observed in individual(s) with mucopolysaccharidosis IVA (PMID: 34387910). This variant is not present in population databases (gnomAD no frequency). This sequence change replaces lysine, which is basic and polar, with arginine, which is basic and polar, at codon 399 of the GALNS protein (p.Lys399Arg).

Laboratory of Diagnosis and Therapy of Lysosomal Disorders, University of Padova
Classification: Uncertain significance for Mucopolysaccharidosis, MPS-IV-A. Last evaluated: 2021-02-01. Review status: criteria provided, single submitter. Criteria: ACMG Guidelines, 2015. Collection method: research. Allele origin: germline. Affected: yes.
Comment: Absent from gnomAD v2.1.1 (PM2_moderate); multiple lines of computational evidence support a deleterious effect on the gene (PP3_supporting)

Literature cited by the submitters: PubMed 34387910 (cited by Labcorp Genetics (formerly Invitae), Labcorp and Laboratory of Diagnosis and Therapy of Lysosomal Disorders, University of Padova).